The following is an entry in ClinVar:

NM_001261826.3(AP3D1):c.-194G>T

Genes: AP3D1 (adaptor related protein complex 3 subunit delta 1; minus strand), LOC130063028 (ATAC-STARR-seq lymphoblastoid active region 13658; plus strand). Cytogenetic location: 19p13.3.
Variant type: single nucleotide variant.
Coding change: c.-194G>T on transcript NM_001261826.3 (MANE Select); 194 bases upstream of the start codon, G replaced by T.
Molecular consequence: 5 prime UTR variant.
Genome position (GRCh38, 1-based): chr19:2,151,528, C>A on the plus strand (G>T on the coding strand, the complement: AP3D1 is on the minus strand). VCF-style: chr19-2151528-C-A. GRCh37 (hg19) VCF-style: chr19-2151527-C-A.
Other names: c.-194G>T (NM_001374799.1, NM_003938.8).
Identifiers: ClinVar variation 1706797 (VCV001706797.2), dbSNP rs185717732, ClinGen allele CA14651215.

ClinVar aggregate classification (germline): Likely benign (1 of 4 stars; one submission).

Allele frequency attached by ClinVar (database versions not stated): 1000 Genomes Project 0.00260; 1000 Genomes Project 30x 0.00297; gnomAD exomes 0.01125.
gnomAD v4.1: 1,409 of 166,618 alleles (0.85%); highest among the groups gnomAD compares: Middle Eastern, 1.2%; 19 homozygotes.

Submission:

GeneDx
Classification: Likely benign. Last evaluated: 2021-05-10. Review status: criteria provided, single submitter. Criteria: GeneDx Variant Classification Process June 2021. Collection method: clinical testing. Allele origin: germline. Affected: yes.
Comment: See Variant Classification Assertion Criteria.